The following is an entry in ClinVar:

ClinVar aggregate classification (germline): Uncertain significance. Review status: criteria provided, multiple submitters, no conflicts (2 of 4 stars). 3 submissions from 3 submitters: Uncertain significance (3). Last evaluated 2025-06-10.

Conditions:
Familial melanoma. Also called: Hereditary melanoma; Hereditary cutaneous melanoma. Identifiers: Orphanet 618, MedGen C1512419, MONDO:0018961.
Hereditary cancer-predisposing syndrome. Also called: Neoplastic Syndromes, Hereditary; Hereditary Cancer Syndrome; Tumor predisposition; Hereditary neoplastic syndrome. Identifiers: Orphanet 140162, MedGen C0027672, MeSH D009386, MONDO:0015356.

Allele frequency attached by ClinVar (database versions not stated): TOPMed 0.00001; gnomAD exomes below 0.00001.
gnomAD v4.1: 1 of 1,606,608 alleles (0.000062%); highest among the groups gnomAD compares: East Asian, 0.0022%; no homozygotes.

Submissions (3):

Ambry Genetics
Classification: Uncertain significance for Hereditary cancer-predisposing syndrome. Last evaluated: 2025-06-10. Review status: criteria provided, single submitter. Criteria: Ambry Variant Classification Scheme 2023. Collection method: clinical testing. Allele origin: germline.
Comment: The p.A44V variant (also known as c.131C>T), located in coding exon 1 of the CDKN2A (p14ARF) gene, results from a C to T substitution at nucleotide position 131. The alanine at codon 44 is replaced by valine, an amino acid with similar properties. This amino acid position is well conserved in available vertebrate species. Based on the available evidence, the clinical significance of this variant remains unclear.

Labcorp Genetics (formerly Invitae), Labcorp
Classification: Uncertain significance for Familial melanoma. Last evaluated: 2021-12-11. Review status: criteria provided, single submitter. Criteria: Invitae Variant Classification Sherloc (09022015). Collection method: clinical testing. Allele origin: germline.
Comment: This sequence change replaces alanine, which is neutral and non-polar, with valine, which is neutral and non-polar, at codon 44 of the CDKN2A (p14ARF) protein (p.Ala44Val). The frequency data for this variant in the population databases is considered unreliable, as metrics indicate poor data quality at this position in the gnomAD database. This variant has not been reported in the literature in individuals affected with CDKN2A (p14ARF)-related conditions. ClinVar contains an entry for this variant (Variation ID: 463513). Algorithms developed to predict the effect of missense changes on protein structure and function are either unavailable or do not agree on the potential impact of this missense change (SIFT: "Tolerated"; PolyPhen-2: "Probably Damaging"; Align-GVGD: "Class C0"). In summary, the available evidence is currently insufficient to determine the role of this variant in disease. Therefore, it has been classified as a Variant of Uncertain Significance.

GeneDx
Classification: Uncertain significance. Last evaluated: 2019-11-05. Review status: criteria provided, single submitter. Criteria: GeneDx Variant Classification Process June 2021. Collection method: clinical testing. Allele origin: germline. Affected: yes.
Comment: Has not been previously published as pathogenic or benign to our knowledge; This variant in the p14-ARF isoform is not expected to affect the p16 protein; Not observed at a significant frequency in large population cohorts (Lek 2016); In silico analysis, which includes protein predictors and evolutionary conservation, supports a deleterious effect

NM_058195.4(CDKN2A):c.131C>T (p.Ala44Val)

Gene: CDKN2A (cyclin dependent kinase inhibitor 2A; minus strand). Cytogenetic location: 9p21.3.
Variant type: single nucleotide variant.
Coding change: c.131C>T on transcript NM_058195.4 (MANE Plus Clinical); coding-DNA position 131, C replaced by T.
Protein change: p.Ala44Val; replaces alanine 44 with valine.
Molecular consequence: missense variant. On other transcripts: intron variant (1).
Genome position (GRCh38, 1-based): chr9:21,994,201, G>A on the plus strand (C>T on the coding strand, the complement: CDKN2A is on the minus strand). VCF-style: chr9-21994201-G-A. GRCh37 (hg19) VCF-style: chr9-21994200-G-A.
Other names: c.-4+620C>T (NM_001363763.2); short protein forms A44V.
Identifiers: ClinVar variation 463513 (VCV000463513.12), dbSNP rs1261184323, ClinGen allele CA16622046.